The following is an entry in ClinVar:

ClinVar aggregate classification (germline): Uncertain significance. Review status: criteria provided, multiple submitters, no conflicts (2 of 4 stars). 2 submissions from 2 submitters: Uncertain significance (2). Last evaluated 2026-04-17.

Conditions:
Renal cyst. Also called: Cystic kidney disease; Renal cysts; cystic kidneys. Identifiers: MedGen C3887499, MONDO:0002473, HP:0000107.

Submissions (2):

Women's Health and Genetics/Laboratory Corporation of America, LabCorp
Classification: Uncertain significance. Last evaluated: 2026-04-17. Review status: criteria provided, single submitter. Criteria: LabCorp Variant Classification Summary - May 2015. Collection method: clinical testing. Allele origin: germline.
Comment: Variant summary: PKD1 c.8510G>T (p.Gly2837Val) results in a non-conservative amino acid change in the encoded protein sequence. Algorithms developed to predict the effect of missense changes on protein structure and function are either unavailable or do not agree on the potential impact of this missense change. The variant was absent in 245318 control chromosomes. The available data on variant occurrences in the general population are insufficient to allow any conclusion about variant significance. To our knowledge, no occurrence of c.8510G>T in individuals affected with PKD1-related conditions and no experimental evidence demonstrating its impact on protein function have been reported. ClinVar contains an entry for this variant (Variation ID: 4075241). Based on the evidence outlined above, the variant was classified as uncertain significance.

Cambridge Genomics Laboratory, East Genomic Laboratory Hub, NHS Genomic Medicine Service
Classification: Uncertain significance for Renal cyst. Last evaluated: 2019-12-14. Review status: criteria provided, single submitter. Criteria: ACGS Best Practice Guidelines for Variant Classification in Rare Disease 2020. Collection method: clinical testing. Allele origin: germline. Affected: yes. Observed: 1 variant allele.

NM_001009944.3(PKD1):c.8510G>T (p.Gly2837Val)

Gene: PKD1 (polycystin 1, transient receptor potential channel interacting; minus strand). Cytogenetic location: 16p13.3.
Variant type: single nucleotide variant.
Coding change: c.8510G>T on transcript NM_001009944.3 (MANE Select); coding-DNA position 8510, G replaced by T.
Protein change: p.Gly2837Val; replaces glycine 2837 with valine.
Molecular consequence: missense variant.
Genome position (GRCh38, 1-based): chr16:2,103,547, C>A on the plus strand (G>T on the coding strand, the complement: PKD1 is on the minus strand). VCF-style: chr16-2103547-C-A. GRCh37 (hg19) VCF-style: chr16-2153548-C-A.
Other names: c.8510G>T, p.Gly2837Val (NM_000296.4); short protein forms G2837V.
Identifiers: ClinVar variation 4075241 (VCV004075241.2).